The following is an entry in ClinVar:

NM_001366686.3(SIK3):c.3168A>G (p.Gln1056=)

Gene: SIK3 (SIK family kinase 3; minus strand). Cytogenetic location: 11q23.3.
Variant type: single nucleotide variant.
Coding change: c.3168A>G on transcript NM_001366686.3 (MANE Select); coding-DNA position 3168, A replaced by G.
Protein change: p.Gln1056=; no amino-acid change (glutamine 1056 retained).
Molecular consequence: synonymous variant.
Genome position (GRCh38, 1-based): chr11:116,858,297, T>C on the plus strand (A>G on the coding strand, the complement: SIK3 is on the minus strand). VCF-style: chr11-116858297-T-C. GRCh37 (hg19) VCF-style: chr11-116729013-T-C.
Other names: c.2367A>G, p.Gln789= (NM_001281748.3); c.2844A>G, p.Gln948= (NM_001281749.3); c.3024A>G, p.Gln1008= (NM_025164.6).
Identifiers: ClinVar variation 3059702 (VCV003059702.2), dbSNP rs539858, ClinGen allele CA6290222.
Genomic context (GRCh38, chr11:116,858,297, plus strand): 5'-CCCCGCATCCCCTTGGTTCATGTGCCTGAACAGTTCCTGGTATTCTTGCTGTTGCTGCTG[T>C]TGCTGCTGCTGCTGCCGTTGTTGCTGCTGCCTTTTAATGAGCTGTGCAAACTCTGTTGGG-3'
Protein context (NP_001353615.1, residues 1046-1066): RQQQQRQQQQ[Gln1056=]QQQQQEYQEL

ClinVar aggregate classification (germline): Benign (0 of 4 stars; one submission).

Conditions:
SIK3-related disorder. Also called: SIK3-related condition.

Allele frequency attached by ClinVar (database versions not stated): gnomAD exomes 0.06724; ExAC 0.10158; gnomAD 0.18008; ESP Exome Variant Server 0.18786; TOPMed 0.19572; 1000 Genomes Project 0.23283.
gnomAD v4.1: 126,574 of 1,612,084 alleles (7.9%); highest among the groups gnomAD compares: African/African-American, 48%; 11,926 homozygotes.

Submission:

PreventionGenetics, part of Exact Sciences
Classification: Benign for SIK3-related condition. Last evaluated: 2019-10-21. Review status: no assertion criteria provided. Collection method: clinical testing. Allele origin: germline.
Comment: This variant is classified as benign based on ACMG/AMP sequence variant interpretation guidelines (Richards et al. 2015 PMID: 25741868, with internal and published modifications).